The following is an entry in ClinVar:

NM_001369.3(DNAH5):c.11263A>T (p.Arg3755Ter)

Genes: DNAH5 (dynein axonemal heavy chain 5; minus strand), LOC107457585 (meiotic recombination hotspot J; plus strand). Cytogenetic location: 5p15.2.
Variant type: single nucleotide variant.
Coding change: c.11263A>T on transcript NM_001369.3 (MANE Select); coding-DNA position 11263, A replaced by T.
Protein change: p.Arg3755Ter; replaces arginine 3755 with a stop codon.
Molecular consequence: nonsense.
Genome position (GRCh38, 1-based): chr5:13,737,444, T>A on the plus strand (A>T on the coding strand, the complement: DNAH5 is on the minus strand). VCF-style: chr5-13737444-T-A. GRCh37 (hg19) VCF-style: chr5-13737553-T-A.
Other names: short protein forms R3755*.
Identifiers: ClinVar variation 961693 (VCV000961693.8), dbSNP rs1747686698, ClinGen allele CA359228572.
Genomic context (GRCh38, chr5:13,737,444, plus strand): 5'-GGGACCCCTGGGTACTTGTCAGGCGGTAAAGCAAGTTATCTTCTAGTTCCTTCATCCTTC[T>A]TTTGTTTGCAGTTACATCTTCCATCAGATGAGTTCTTTCTTTCTCCAATTCCTATTAATT-3'

ClinVar aggregate classification (germline): Pathogenic (1 of 4 stars; one submission).

Conditions:
Primary ciliary dyskinesia. Also called: Ciliary dyskinesia. Identifiers: Orphanet 244, MedGen C0008780, MONDO:0016575, HP:0012265.

Submission:

Labcorp Genetics (formerly Invitae), Labcorp
Classification: Pathogenic for Primary ciliary dyskinesia. Last evaluated: 2020-03-16. Review status: criteria provided, single submitter. Criteria: Invitae Variant Classification Sherloc (09022015). Collection method: clinical testing. Allele origin: germline.
Comment: This variant has not been reported in the literature in individuals with DNAH5-related conditions. For these reasons, this variant has been classified as Pathogenic. Loss-of-function variants in DNAH5 are known to be pathogenic (PMID: 11788826, 16627867). This variant is not present in population databases (ExAC no frequency). This sequence change creates a premature translational stop signal (p.Arg3755*) in the DNAH5 gene. It is expected to result in an absent or disrupted protein product.

Literature cited by the submitters: PubMed 11788826; PubMed 16627867.